The following is an entry in ClinVar:

NM_001042492.3(NF1):c.7846C>G (p.Gln2616Glu)

Gene: NF1 (neurofibromin 1; plus strand). Cytogenetic location: 17q11.2.
Variant type: single nucleotide variant.
Coding change: c.7846C>G on transcript NM_001042492.3 (MANE Select); coding-DNA position 7846, C replaced by G.
Protein change: p.Gln2616Glu; replaces glutamine 2616 with glutamic acid.
Molecular consequence: missense variant.
Genome position (GRCh38, 1-based): chr17:31,357,067, C>G. VCF-style: chr17-31357067-C-G. GRCh37 (hg19) VCF-style: chr17-29684085-C-G.
Other names: c.7783C>G, p.Gln2595Glu (NM_000267.4); short protein forms Q2595E, Q2616E.
Identifiers: ClinVar variation 481954 (VCV000481954.14), dbSNP rs1555536713, ClinGen allele CA399018654.

ClinVar aggregate classification (germline): Uncertain significance. Review status: criteria provided, multiple submitters, no conflicts (2 of 4 stars). 5 submissions from 5 submitters: Uncertain significance (5). Last evaluated 2025-12-07.

Conditions:
NF1-related disorder. Also called: NF1-related condition. Identifiers: MedGen CN379171.
Cardiovascular phenotype. Identifiers: MedGen CN230736.
Hereditary cancer-predisposing syndrome. Also called: Hereditary neoplastic syndrome; Neoplastic Syndromes, Hereditary; Tumor predisposition; Hereditary Cancer Syndrome. Identifiers: Orphanet 140162, MedGen C0027672, MeSH D009386, MONDO:0015356.
Juvenile myelomonocytic leukemia (JMML). Also called: LEUKEMIA, JUVENILE MYELOMONOCYTIC, SOMATIC. Identifiers: Orphanet 86834, MedGen C0349639, MONDO:0011908, OMIM 607785, HP:0012209.
Neurofibromatosis, type 1 (NF1). Also called: VON RECKLINGHAUSEN DISEASE; Peripheral type neurofibromatosis; NEUROFIBROMATOSIS, TYPE I, SOMATIC; Neurofibromatosis, type I. Identifiers: Orphanet 636, MedGen C0027831, MONDO:0018975, OMIM 162200. Disease mechanism: loss of function.

Submissions (5):

Ambry Genetics
Classification: Uncertain significance for Cardiovascular phenotype; Hereditary cancer-predisposing syndrome. Last evaluated: 2025-12-07. Review status: criteria provided, single submitter. Criteria: Ambry Variant Classification Scheme 2023. Collection method: clinical testing. Allele origin: germline.
Comment: The p.Q2595E variant (also known as c.7783C>G), located in coding exon 52 of the NF1 gene, results from a C to G substitution at nucleotide position 7783. The glutamine at codon 2595 is replaced by glutamic acid, an amino acid with highly similar properties. This amino acid position is highly conserved in available vertebrate species. In addition, the in silico prediction for this alteration is inconclusive. Since supporting evidence is limited at this time, the clinical significance of this alteration remains unclear.

Baylor Genetics
Classification: Uncertain significance for Juvenile myelomonocytic leukemia. Last evaluated: 2023-10-26. Review status: criteria provided, single submitter. Criteria: ACMG Guidelines, 2015. Collection method: clinical testing. Allele origin: unknown.

Labcorp Genetics (formerly Invitae), Labcorp
Classification: Uncertain significance for Neurofibromatosis, type 1. Last evaluated: 2023-09-29. Review status: criteria provided, single submitter. Criteria: Invitae Variant Classification Sherloc (09022015). Collection method: clinical testing. Allele origin: germline.
Comment: ClinVar contains an entry for this variant (Variation ID: 481954). This sequence change replaces glutamine, which is neutral and polar, with glutamic acid, which is acidic and polar, at codon 2595 of the NF1 protein (p.Gln2595Glu). This variant is not present in population databases (gnomAD no frequency). This variant has not been reported in the literature in individuals affected with NF1-related conditions. Advanced modeling of protein sequence and biophysical properties (such as structural, functional, and spatial information, amino acid conservation, physicochemical variation, residue mobility, and thermodynamic stability) performed at Invitae indicates that this missense variant is expected to disrupt NF1 protein function. In summary, the available evidence is currently insufficient to determine the role of this variant in disease. Therefore, it has been classified as a Variant of Uncertain Significance.

PreventionGenetics, part of Exact Sciences
Classification: Uncertain significance for NF1-related condition. Last evaluated: 2022-10-20. Review status: criteria provided, single submitter. Criteria: ACMG Guidelines, 2015. Collection method: clinical testing. Allele origin: germline.
Comment: The NF1 c.7846C>G variant is predicted to result in the amino acid substitution p.Gln2616Glu. To our knowledge, this variant has not been reported in the literature or in a large population database, indicating this variant is rare. This variant is interpreted as uncertain in Clinvar. At this time, the clinical significance of this variant is uncertain due to the absence of conclusive functional and genetic evidence.

Genome-Nilou Lab
Classification: Uncertain significance for Neurofibromatosis, type 1. Last evaluated: 2022-03-15. Review status: criteria provided, single submitter. Criteria: ACMG Guidelines, 2015. Collection method: clinical testing. Allele origin: germline. Affected: no.